The following is an entry in ClinVar:

ClinVar aggregate classification (germline): Uncertain significance (1 of 4 stars; one submission).

gnomAD v4.1: 2 of 1,612,386 alleles (0.00012%); highest among the groups gnomAD compares: Non-Finnish European, 0.00017%; no homozygotes.

Submission:

GeneDx
Classification: Uncertain significance. Last evaluated: 2024-10-22. Review status: criteria provided, single submitter. Criteria: GeneDx Variant Classification Process June 2021. Collection method: clinical testing. Allele origin: germline. Affected: yes.
Comment: Not observed at significant frequency in large population cohorts (gnomAD); In silico analysis supports that this missense variant has a deleterious effect on protein structure/function; Has not been previously published as pathogenic or benign to our knowledge

NM_018896.5(CACNA1G):c.3364A>G (p.Arg1122Gly)

Gene: CACNA1G (calcium voltage-gated channel subunit alpha1 G; plus strand). Cytogenetic location: 17q21.33.
Variant type: single nucleotide variant.
Coding change: c.3364A>G on transcript NM_018896.5 (MANE Select); coding-DNA position 3364, A replaced by G.
Protein change: p.Arg1122Gly; replaces arginine 1122 with glycine.
Molecular consequence: missense variant. On other transcripts: non-coding transcript variant (5).
Genome position (GRCh38, 1-based): chr17:50,599,533, A>G. VCF-style: chr17-50599533-A-G. GRCh37 (hg19) VCF-style: chr17-48676894-A-G.
Other names: c.3364A>G, p.Arg1122Gly (NM_001256324.2, NM_001256325.2, NM_001256326.2 and 16 more transcripts); c.3295A>G, p.Arg1099Gly (NM_001256332.2, NM_198376.3, NM_198379.3 and 5 more transcripts); short protein forms R1099G, R1122G.
Identifiers: ClinVar variation 3893329 (VCV003893329.1).